The following is an entry in ClinVar:

NM_005732.4(RAD50):c.1969+5G>A

Gene: RAD50 (RAD50 double strand break repair protein; plus strand). Cytogenetic location: 5q31.1.
Variant type: single nucleotide variant.
Coding change: c.1969+5G>A on transcript NM_005732.4 (MANE Select); 5 bases into the intron after coding-DNA position 1969, G replaced by A.
Molecular consequence: intron variant.
Genome position (GRCh38, 1-based): chr5:132,595,049, G>A. VCF-style: chr5-132595049-G-A. GRCh37 (hg19) VCF-style: chr5-131930741-G-A.
Identifiers: ClinVar variation 839293 (VCV000839293.10), dbSNP rs1255272956, ClinGen allele CA804002010.
Genomic context (GRCh38, chr5:132,595,049, plus strand): 5'-TGAAAGTGATTTAGACAGGCTTAAAGAGGAAATTGAAAAATCATCAAAACAGCGAGGTAA[G>A]TTGTCTACTTTATATTATCAGGATACTTTGACACCTTTGAATTTTCATTCACAGGTAACT-3'

ClinVar aggregate classification (germline): Uncertain significance. Review status: criteria provided, multiple submitters, no conflicts (2 of 4 stars). 2 submissions from 2 submitters: Uncertain significance (2). Last evaluated 2025-12-30.

Conditions:
Hereditary cancer-predisposing syndrome. Also called: Neoplastic Syndromes, Hereditary; Tumor predisposition; Hereditary neoplastic syndrome; Hereditary Cancer Syndrome. Identifiers: Orphanet 140162, MedGen C0027672, MeSH D009386, MONDO:0015356.

Allele frequency attached by ClinVar (database versions not stated): gnomAD 0.00001; TOPMed 0.00003.
gnomAD v4.1: 1 of 1,606,490 alleles (0.000062%); highest among the groups gnomAD compares: Admixed American, 0.0017%; no homozygotes.

Submissions (2):

Labcorp Genetics (formerly Invitae), Labcorp
Classification: Uncertain significance for Hereditary cancer-predisposing syndrome. Last evaluated: 2025-12-30. Review status: criteria provided, single submitter. Criteria: Invitae Variant Classification Sherloc (09022015). Collection method: clinical testing. Allele origin: germline.
Comment: This sequence change falls in intron 12 of the RAD50 gene. It does not directly change the encoded amino acid sequence of the RAD50 protein. It affects a nucleotide within the consensus splice site. This variant is not present in population databases (gnomAD no frequency). This variant has not been reported in the literature in individuals affected with RAD50-related conditions. ClinVar contains an entry for this variant (Variation ID: 839293). Variants that disrupt the consensus splice site are a relatively common cause of aberrant splicing (PMID: 17576681, 9536098). Algorithms developed to predict the effect of sequence changes on RNA splicing suggest that this variant may disrupt the consensus splice site. In summary, the available evidence is currently insufficient to determine the role of this variant in disease. Therefore, it has been classified as a Variant of Uncertain Significance.

Ambry Genetics
Classification: Uncertain significance for Hereditary cancer-predisposing syndrome. Last evaluated: 2023-05-18. Review status: criteria provided, single submitter. Criteria: Ambry Variant Classification Scheme 2023. Collection method: clinical testing. Allele origin: germline.
Comment: The c.1969+5G>A intronic variant results from a G to A substitution 5 nucleotides after coding exon 12 in the RAD50 gene. This nucleotide position is not well conserved in available vertebrate species. In silico splice site analysis for this alteration is inconclusive. Since supporting evidence is limited at this time, the clinical significance of this alteration remains unclear.

Literature cited by the submitters: PubMed 17576681 (cited by Labcorp Genetics (formerly Invitae), Labcorp); PubMed 9536098 (cited by Labcorp Genetics (formerly Invitae), Labcorp).